The following is an entry in ClinVar:

ClinVar aggregate classification (germline): Uncertain significance. Review status: criteria provided, multiple submitters, no conflicts (2 of 4 stars). 2 submissions from 2 submitters: Uncertain significance (2). Last evaluated 2024-05-10.

gnomAD v4.1: 2 of 1,613,544 alleles (0.00012%); highest among the groups gnomAD compares: Admixed American, 0.0017%; no homozygotes.

Submissions (2):

Labcorp Genetics (formerly Invitae), Labcorp
Classification: Uncertain significance. Last evaluated: 2024-05-10. Review status: criteria provided, single submitter. Criteria: Invitae Variant Classification Sherloc (09022015). Collection method: clinical testing. Allele origin: germline.
Comment: This sequence change replaces arginine, which is basic and polar, with tryptophan, which is neutral and slightly polar, at codon 610 of the SNRNP200 protein (p.Arg610Trp). The frequency data for this variant in the population databases is considered unreliable, as metrics indicate poor data quality at this position in the gnomAD database. This variant has not been reported in the literature in individuals affected with SNRNP200-related conditions. Advanced modeling of protein sequence and biophysical properties (such as structural, functional, and spatial information, amino acid conservation, physicochemical variation, residue mobility, and thermodynamic stability) performed at Invitae indicates that this missense variant is expected to disrupt SNRNP200 protein function with a positive predictive value of 80%. In summary, the available evidence is currently insufficient to determine the role of this variant in disease. Therefore, it has been classified as a Variant of Uncertain Significance.

Blueprint Genetics
Classification: Uncertain significance. Last evaluated: 2019-03-08. Review status: criteria provided, single submitter. Criteria: ACMG Guidelines, 2015. Collection method: clinical testing. Allele origin: germline.

NM_014014.5(SNRNP200):c.1828C>T (p.Arg610Trp)

Gene: SNRNP200 (small nuclear ribonucleoprotein U5 subunit 200; minus strand). Cytogenetic location: 2q11.2.
Variant type: single nucleotide variant.
Coding change: c.1828C>T on transcript NM_014014.5 (MANE Select); coding-DNA position 1828, C replaced by T.
Protein change: p.Arg610Trp; replaces arginine 610 with tryptophan.
Molecular consequence: missense variant.
Genome position (GRCh38, 1-based): chr2:96,295,502, G>A on the plus strand (C>T on the coding strand, the complement: SNRNP200 is on the minus strand). VCF-style: chr2-96295502-G-A. GRCh37 (hg19) VCF-style: chr2-96961240-G-A.
Other names: short protein forms R610W.
Identifiers: ClinVar variation 3615413 (VCV003615413.3).
Genomic context (GRCh38, chr2:96,295,502, plus strand): 5'-CCCTGACACAACTGGACTCTATATTCTACGACTGCTCCCAACTCACCAGAATGATGAGCC[G>A]CACCAGCTGGGTGTAGGTGCGCTCACCACCCTTGCGGGTGATGATGTCCCACTTCTCGGG-3'
Protein context (NP_054733.2, residues 600-620): GGERTYTQLV[Arg610Trp]LIILDEIHLL